The following is an entry in ClinVar:

ClinVar aggregate classification (germline): Likely benign. Review status: criteria provided, multiple submitters, no conflicts (2 of 4 stars). 4 submissions from 4 submitters: Likely benign (3). 1 of the submissions does not count toward it. Last evaluated 2025-12-22.

Conditions:
MYLK-related disorder. Also called: MYLK-related condition.
Aortic aneurysm, familial thoracic 7 (AAT7). Also called: AORTIC DISSECTION, FAMILIAL, WITH OR WITHOUT AORTIC ANEURYSM. Identifiers: MedGen C3151077, MONDO:0013418, OMIM 613780.
Familial thoracic aortic aneurysm and aortic dissection (TAAD). Also called: Thoracic aortic aneurysms and dissections. Identifiers: Orphanet 91387, MedGen C4707243, MONDO:0019625.

Allele frequency attached by ClinVar (database versions not stated): gnomAD 0.00002 and 0.00004; TOPMed 0.00002; gnomAD exomes 0.00006 and 0.00015; ESP Exome Variant Server 0.00008; 1000 Genomes Project 30x 0.00016; ExAC 0.00018.
gnomAD v4.1: 97 of 1,614,172 alleles (0.006%); highest among the groups gnomAD compares: South Asian, 0.075%; 1 homozygote.

Submissions (4):

Labcorp Genetics (formerly Invitae), Labcorp
Classification: Likely benign for Aortic aneurysm, familial thoracic 7. Last evaluated: 2025-12-22. Review status: criteria provided, single submitter. Criteria: Invitae Variant Classification Sherloc (09022015). Collection method: clinical testing. Allele origin: germline.

CeGaT Center for Human Genetics Tuebingen
Classification: Likely benign. Last evaluated: 2023-03-01. Review status: criteria provided, single submitter. Criteria: CeGaT Center For Human Genetics Tuebingen Variant Classification Criteria Version 2. Collection method: clinical testing. Allele origin: germline. Affected: yes. Observed: 1 variant allele.
Comment: MYLK: BP4, BP7

Ambry Genetics
Classification: Likely benign for Familial thoracic aortic aneurysm and aortic dissection. Last evaluated: 2021-03-10. Review status: criteria provided, single submitter. Criteria: Ambry Variant Classification Scheme 2023. Collection method: clinical testing. Allele origin: germline.

PreventionGenetics, part of Exact Sciences
Classification: Likely benign for MYLK-related condition. Last evaluated: 2023-05-17. Review status: no assertion criteria provided. Collection method: clinical testing. Allele origin: germline. Not counted in ClinVar's aggregate classification.
Comment: This variant is classified as likely benign based on ACMG/AMP sequence variant interpretation guidelines (Richards et al. 2015 PMID: 25741868, with internal and published modifications).

NM_053025.4(MYLK):c.1008G>A (p.Pro336=)

Gene: MYLK (myosin light chain kinase; minus strand). Cytogenetic location: 3q21.1.
Variant type: single nucleotide variant.
Coding change: c.1008G>A on transcript NM_053025.4 (MANE Select); coding-DNA position 1008, G replaced by A.
Protein change: p.Pro336=; no amino-acid change (proline 336 retained).
Molecular consequence: synonymous variant.
Genome position (GRCh38, 1-based): chr3:123,733,988, C>T on the plus strand (G>A on the coding strand, the complement: MYLK is on the minus strand). VCF-style: chr3-123733988-C-T. GRCh37 (hg19) VCF-style: chr3-123452835-C-T.
Other names: c.480G>A, p.Pro160= (NM_001321309.2); c.1008G>A, p.Pro336= (NM_053026.4, NM_053027.4, NM_053028.4).
Identifiers: ClinVar variation 1117989 (VCV001117989.35), dbSNP rs143682943, ClinGen allele CA066609.